The following is an entry in ClinVar:

NM_001369.3(DNAH5):c.11212-4A>G

Genes: DNAH5 (dynein axonemal heavy chain 5; minus strand), LOC107457585 (meiotic recombination hotspot J; plus strand). Cytogenetic location: 5p15.2.
Variant type: single nucleotide variant.
Coding change: c.11212-4A>G on transcript NM_001369.3 (MANE Select); 4 bases into the intron before coding-DNA position 11212, A replaced by G.
Molecular consequence: intron variant.
Genome position (GRCh38, 1-based): chr5:13,737,499, T>C on the plus strand (A>G on the coding strand, the complement: DNAH5 is on the minus strand). VCF-style: chr5-13737499-T-C. GRCh37 (hg19) VCF-style: chr5-13737608-T-C.
Identifiers: ClinVar variation 454731 (VCV000454731.9), dbSNP rs1554028140, ClinGen allele CA658657426.

ClinVar aggregate classification (germline): Uncertain significance (1 of 4 stars; one submission).

Conditions:
Primary ciliary dyskinesia. Also called: Ciliary dyskinesia. Identifiers: Orphanet 244, MedGen C0008780, MONDO:0016575, HP:0012265.

Submission:

Labcorp Genetics (formerly Invitae), Labcorp
Classification: Uncertain significance for Primary ciliary dyskinesia. Last evaluated: 2025-05-18. Review status: criteria provided, single submitter. Criteria: Invitae Variant Classification Sherloc (09022015). Collection method: clinical testing. Allele origin: germline.
Comment: This sequence change falls in intron 65 of the DNAH5 gene. It does not directly change the encoded amino acid sequence of the DNAH5 protein. This variant is not present in population databases (gnomAD no frequency). This variant has been observed in individual(s) with clinical features of DNAH5-related conditions (PMID: 37998386). ClinVar contains an entry for this variant (Variation ID: 454731). Algorithms developed to predict the effect of sequence changes on RNA splicing suggest that this variant may disrupt the consensus splice site. In summary, the available evidence is currently insufficient to determine the role of this variant in disease. Therefore, it has been classified as a Variant of Uncertain Significance.

Literature cited by the submitters: PubMed 37998386.